The following is an entry in ClinVar:

ClinVar aggregate classification (germline): Uncertain significance (1 of 4 stars; one submission).

Conditions:
Inborn genetic diseases. Identifiers: MedGen C0950123, MeSH D030342.

Submission:

Ambry Genetics
Classification: Uncertain significance for Inborn genetic diseases. Last evaluated: 2022-11-06. Review status: criteria provided, single submitter. Criteria: Ambry Variant Classification Scheme 2023. Collection method: clinical testing. Allele origin: germline.
Comment: The p.S477N variant (also known as c.1430G>A), located in coding exon 10 of the EPAS1 gene, results from a G to A substitution at nucleotide position 1430. The serine at codon 477 is replaced by asparagine, an amino acid with highly similar properties. This amino acid position is conserved. In addition, this alteration is predicted to be tolerated by in silico analysis. Since supporting evidence is limited at this time, the clinical significance of this alteration remains unclear.

NM_001430.5(EPAS1):c.1430G>A (p.Ser477Asn)

Gene: EPAS1 (endothelial PAS domain protein 1; plus strand). Cytogenetic location: 2p21.
Variant type: single nucleotide variant.
Coding change: c.1430G>A on transcript NM_001430.5 (MANE Select); coding-DNA position 1430, G replaced by A.
Protein change: p.Ser477Asn; replaces serine 477 with asparagine.
Molecular consequence: missense variant.
Genome position (GRCh38, 1-based): chr2:46,378,074, G>A. VCF-style: chr2-46378074-G-A. GRCh37 (hg19) VCF-style: chr2-46605213-G-A.
Other names: short protein forms S477N.
Identifiers: ClinVar variation 2450288 (VCV002450288.2), dbSNP rs2103667817, ClinGen allele CA346704066.